The following is an entry in ClinVar:

ClinVar aggregate classification (germline): Likely benign (1 of 4 stars; one submission).

Conditions:
Fanconi anemia complementation group P. Also called: SLX4-Related Fanconi Anemia. Identifiers: Orphanet 84, MedGen C3469542, MONDO:0013499, OMIM 613951.

Allele frequency attached by ClinVar (database versions not stated): gnomAD below 0.00001 and 0.00021; TOPMed 0.00005; gnomAD exomes 0.00048; 1000 Genomes Project 30x 0.00187; 1000 Genomes Project 0.00200.
gnomAD v4.1: 307 of 738,872 alleles (0.042%); highest among the groups gnomAD compares: South Asian, 0.5%; 3 homozygotes.

Submission:

Illumina Laboratory Services, Illumina
Classification: Likely benign for Fanconi anemia complementation group P. Last evaluated: 2018-01-13. Review status: criteria provided, single submitter. Criteria: ICSL Variant Classification Criteria 13 December 2019. Collection method: clinical testing. Allele origin: germline.
Comment: This variant was observed in the ICSL laboratory as part of a predisposition screen in an ostensibly healthy population. It had not been previously curated by ICSL or reported in the Human Gene Mutation Database (HGMD: prior to June 1st, 2018), and was therefore a candidate for classification through an automated scoring system. Utilizing variant allele frequency, disease prevalence and penetrance estimates, and inheritance mode, an automated score was calculated to assess if this variant is too frequent to cause the disease. Based on the score and internal cut-off values, a variant classified as likely benign is not then subjected to further curation. The score for this variant resulted in a classification of likely benign for this disease.

NM_032444.4(SLX4):c.*128A>G

Gene: SLX4 (SLX4 structure-specific endonuclease subunit; minus strand). Cytogenetic location: 16p13.3.
Variant type: single nucleotide variant.
Coding change: c.*128A>G on transcript NM_032444.4 (MANE Select); 128 bases downstream of the stop codon, A replaced by G.
Molecular consequence: 3 prime UTR variant.
Genome position (GRCh38, 1-based): chr16:3,582,214, T>C on the plus strand (A>G on the coding strand, the complement: SLX4 is on the minus strand). VCF-style: chr16-3582214-T-C. GRCh37 (hg19) VCF-style: chr16-3632215-T-C.
Other names: c.*128A>G (LRG_503t1).
Identifiers: ClinVar variation 319140 (VCV000319140.5), dbSNP rs528843807, ClinGen allele CA10647439.